The following is an entry in ClinVar:

ClinVar aggregate classification (germline): Uncertain significance. Review status: criteria provided, multiple submitters, no conflicts (2 of 4 stars). 4 submissions from 4 submitters: Uncertain significance (4). Last evaluated 2024-03-06.

Conditions:
Familial ovarian cancer. Identifiers: MedGen C5679802, MONDO:0016248.
Hereditary cancer-predisposing syndrome. Also called: Hereditary neoplastic syndrome; Neoplastic Syndromes, Hereditary; Hereditary Cancer Syndrome; Tumor predisposition. Identifiers: Orphanet 140162, MedGen C0027672, MeSH D009386, MONDO:0015356.
Fanconi anemia complementation group J. Also called: BRIP1-Related Fanconi Anemia. Identifiers: Orphanet 84, MedGen C1836860, MONDO:0012187, OMIM 609054.
Familial cancer of breast. Also called: BREAST CANCER, FAMILIAL; hereditary breast carcinoma; Hereditary breast cancer. Identifiers: Orphanet 227535, MedGen C0346153, MONDO:0016419, OMIM 114480. Disease mechanism: loss of function.

Submissions (4):

Color Diagnostics, LLC DBA Color Health
Classification: Uncertain significance for Hereditary cancer-predisposing syndrome. Last evaluated: 2024-03-06. Review status: criteria provided, single submitter. Criteria: ACMG Guidelines, 2015. Collection method: clinical testing. Allele origin: germline.
Comment: This missense variant replaces aspartic acid with valine at codon 236 of the BRIP1 protein. Computational prediction suggests that this variant may not impact protein structure and function (internally defined REVEL score threshold <= 0.5, PMID: 27666373). To our knowledge, functional studies have not been reported for this variant. This variant has not been reported in individuals affected with hereditary cancer in the literature. This variant has not been identified in the general population by the Genome Aggregation Database (gnomAD). The available evidence is insufficient to determine the role of this variant in disease conclusively. Therefore, this variant is classified as a Variant of Uncertain Significance.

Ambry Genetics
Classification: Uncertain significance for Hereditary cancer-predisposing syndrome. Last evaluated: 2023-03-05. Review status: criteria provided, single submitter. Criteria: Ambry Variant Classification Scheme 2023. Collection method: clinical testing. Allele origin: germline.
Comment: The p.D236V variant (also known as c.707A>T), located in coding exon 6 of the BRIP1 gene, results from an A to T substitution at nucleotide position 707. The aspartic acid at codon 236 is replaced by valine, an amino acid with highly dissimilar properties. This amino acid position is conserved. In addition, this alteration is predicted to be tolerated by in silico analysis. Since supporting evidence is limited at this time, the clinical significance of this alteration remains unclear.

Department of Pathology and Laboratory Medicine, Sinai Health System
Classification: Uncertain significance for familial ovarian cancer. Last evaluated: 2023-03-03. Review status: criteria provided, single submitter. Criteria: ACMG Guidelines, 2015. Collection method: clinical testing. Allele origin: germline. Affected: no.

Labcorp Genetics (formerly Invitae), Labcorp
Classification: Uncertain significance for Familial cancer of breast; Fanconi anemia complementation group J. Last evaluated: 2022-01-23. Review status: criteria provided, single submitter. Criteria: Invitae Variant Classification Sherloc (09022015). Collection method: clinical testing. Allele origin: germline.
Comment: In summary, the available evidence is currently insufficient to determine the role of this variant in disease. Therefore, it has been classified as a Variant of Uncertain Significance. Algorithms developed to predict the effect of sequence changes on RNA splicing suggest that this variant may create or strengthen a splice site. Algorithms developed to predict the effect of missense changes on protein structure and function (SIFT, PolyPhen-2, Align-GVGD) all suggest that this variant is likely to be tolerated. ClinVar contains an entry for this variant (Variation ID: 574761). This variant has not been reported in the literature in individuals affected with BRIP1-related conditions. This variant is not present in population databases (gnomAD no frequency). This sequence change replaces aspartic acid, which is acidic and polar, with valine, which is neutral and non-polar, at codon 236 of the BRIP1 protein (p.Asp236Val).

NM_032043.3(BRIP1):c.707A>T (p.Asp236Val)

Gene: BRIP1 (BRCA1 interacting DNA helicase 1; minus strand). Cytogenetic location: 17q23.2.
Variant type: single nucleotide variant.
Coding change: c.707A>T on transcript NM_032043.3 (MANE Select); coding-DNA position 707, A replaced by T.
Protein change: p.Asp236Val; replaces aspartic acid 236 with valine.
Molecular consequence: missense variant.
Genome position (GRCh38, 1-based): chr17:61,808,678, T>A on the plus strand (A>T on the coding strand, the complement: BRIP1 is on the minus strand). VCF-style: chr17-61808678-T-A. GRCh37 (hg19) VCF-style: chr17-59886039-T-A.
Other names: short protein forms D236V.
Identifiers: ClinVar variation 574761 (VCV000574761.15), dbSNP rs1567838306, ClinGen allele CA400485082.